The following is an entry in ClinVar:

ClinVar aggregate classification (germline): Uncertain significance (1 of 4 stars; one submission).

Conditions:
Neurofibromatosis, type 1 (NF1). Also called: VON RECKLINGHAUSEN DISEASE; Peripheral type neurofibromatosis; Neurofibromatosis, type I; NEUROFIBROMATOSIS, TYPE I, SOMATIC. Identifiers: Orphanet 636, MedGen C0027831, MONDO:0018975, OMIM 162200. Disease mechanism: loss of function.

Submission:

Labcorp Genetics (formerly Invitae), Labcorp
Classification: Uncertain significance for Neurofibromatosis, type 1. Last evaluated: 2022-03-08. Review status: criteria provided, single submitter. Criteria: Invitae Variant Classification Sherloc (09022015). Collection method: clinical testing. Allele origin: germline.
Comment: In summary, the available evidence is currently insufficient to determine the role of this variant in disease. Therefore, it has been classified as a Variant of Uncertain Significance. Advanced modeling of protein sequence and biophysical properties (such as structural, functional, and spatial information, amino acid conservation, physicochemical variation, residue mobility, and thermodynamic stability) performed at Invitae indicates that this missense variant is not expected to disrupt NF1 protein function. This variant has not been reported in the literature in individuals affected with NF1-related conditions. This variant is not present in population databases (gnomAD no frequency). This sequence change replaces alanine, which is neutral and non-polar, with serine, which is neutral and polar, at codon 1057 of the NF1 protein (p.Ala1057Ser).

NM_001042492.3(NF1):c.3169G>T (p.Ala1057Ser)

Gene: NF1 (neurofibromin 1; plus strand). Cytogenetic location: 17q11.2.
Variant type: single nucleotide variant.
Coding change: c.3169G>T on transcript NM_001042492.3 (MANE Select); coding-DNA position 3169, G replaced by T.
Protein change: p.Ala1057Ser; replaces alanine 1057 with serine.
Molecular consequence: missense variant.
Genome position (GRCh38, 1-based): chr17:31,230,897, G>T. VCF-style: chr17-31230897-G-T. GRCh37 (hg19) VCF-style: chr17-29557915-G-T.
Other names: c.3169G>T, p.Ala1057Ser (NM_000267.4); short protein forms A1057S.
Identifiers: ClinVar variation 1347375 (VCV001347375.6), dbSNP rs1367746167, ClinGen allele CA398988141.